The following is an entry in ClinVar:

ClinVar aggregate classification (germline): Uncertain significance (1 of 4 stars; one submission).

Allele frequency attached by ClinVar (database versions not stated): gnomAD exomes below 0.00001.
gnomAD v4.1: 2 of 1,614,210 alleles (0.00012%); highest among the groups gnomAD compares: Non-Finnish European, 0.00017%; no homozygotes.

Submission:

Ambry Genetics
Classification: Uncertain significance. Last evaluated: 2024-02-23. Review status: criteria provided, single submitter. Criteria: Ambry Variant Classification Scheme 2023. Collection method: clinical testing. Allele origin: germline.
Comment: The p.K2123Q variant (also known as c.6367A>C), located in coding exon 12 of the ALPK2 gene, results from an A to C substitution at nucleotide position 6367. The lysine at codon 2123 is replaced by glutamine, an amino acid with similar properties. This amino acid position is conserved. In addition, this alteration is predicted to be tolerated by in silico analysis. Since supporting evidence is limited at this time, the clinical significance of this alteration remains unclear.

NM_052947.4(ALPK2):c.6367A>C (p.Lys2123Gln)

Gene: ALPK2 (alpha kinase 2; minus strand). Cytogenetic location: 18q21.31.
Variant type: single nucleotide variant.
Coding change: c.6367A>C on transcript NM_052947.4 (MANE Select); coding-DNA position 6367, A replaced by C.
Protein change: p.Lys2123Gln; replaces lysine 2123 with glutamine.
Molecular consequence: missense variant.
Genome position (GRCh38, 1-based): chr18:58,481,969, T>G on the plus strand (A>C on the coding strand, the complement: ALPK2 is on the minus strand). VCF-style: chr18-58481969-T-G. GRCh37 (hg19) VCF-style: chr18-56149201-T-G.
Other names: short protein forms K2123Q.
Identifiers: ClinVar variation 1753079 (VCV001753079.2), dbSNP rs2051313859, ClinGen allele CA402538649.